The following is an entry in ClinVar:

NM_000327.4(ROM1):c.724C>T (p.Arg242Ter)

Gene: ROM1 (retinal outer segment membrane protein 1; plus strand). Cytogenetic location: 11q12.3.
Variant type: single nucleotide variant.
Coding change: c.724C>T on transcript NM_000327.4 (MANE Select); coding-DNA position 724, C replaced by T.
Protein change: p.Arg242Ter; replaces arginine 242 with a stop codon.
Molecular consequence: nonsense.
Genome position (GRCh38, 1-based): chr11:62,614,391, C>T. VCF-style: chr11-62614391-C-T. GRCh37 (hg19) VCF-style: chr11-62381863-C-T.
Other names: short protein forms R242*.
Identifiers: ClinVar variation 879754 (VCV000879754.16), dbSNP rs147065010, ClinGen allele CA6049825.

ClinVar aggregate classification (germline): Conflicting classifications of pathogenicity. Review status: criteria provided, conflicting classifications (1 of 4 stars). 5 submissions from 5 submitters: Uncertain significance (1); Benign (2); Likely benign (2). Last evaluated 2025-05-15.

Conditions:
Retinal dystrophy. Also called: Inherited retinal dystrophy. Identifiers: Orphanet 71862, MedGen C0854723, MeSH D058499, MONDO:0019118, HP:0000556.
Retinitis pigmentosa (RP). Identifiers: Orphanet 791, MedGen C0035334, MeSH D012174, MONDO:0019200, OMIM 268000. Inheritance: Autosomal dominant, autosomal recessive and X linked inheritance.

Allele frequency attached by ClinVar (database versions not stated): gnomAD exomes 0.00003 and 0.00020; gnomAD 0.00011 and 0.00017; TOPMed 0.00013; ExAC 0.00020; 1000 Genomes Project 30x 0.00156; 1000 Genomes Project 0.00160.

Submissions (5):

Labcorp Genetics (formerly Invitae), Labcorp
Classification: Likely benign. Last evaluated: 2025-05-15. Review status: criteria provided, single submitter. Criteria: Invitae Variant Classification Sherloc (09022015). Collection method: clinical testing. Allele origin: germline.

Blueprint Genetics
Classification: Uncertain significance. Last evaluated: 2024-02-12. Review status: criteria provided, single submitter. Criteria: ACMG Guidelines, 2015. Collection method: clinical testing. Allele origin: germline.

Dept Of Ophthalmology, Nagoya University
Classification: Benign for Retinal dystrophy. Last evaluated: 2023-10-01. Review status: criteria provided, single submitter. Criteria: Submitter's publication. Collection method: research. Allele origin: germline. Affected: yes.

Illumina Laboratory Services, Illumina
Classification: Benign for Retinitis pigmentosa. Last evaluated: 2017-04-28. Review status: criteria provided, single submitter. Criteria: ICSL Variant Classification Criteria 13 December 2019. Collection method: clinical testing. Allele origin: germline.
Comment: This variant was observed in the ICSL laboratory as part of a predisposition screen in an ostensibly healthy population. It had not been previously curated by ICSL or reported in the Human Gene Mutation Database (HGMD: prior to June 1st, 2018), and was therefore a candidate for classification through an automated scoring system. Utilizing variant allele frequency, disease prevalence and penetrance estimates, and inheritance mode, an automated score was calculated to assess if this variant is too frequent to cause the disease. Based on the score and internal cut-off values, a variant classified as benign is not then subjected to further curation. The score for this variant resulted in a classification of benign for this disease.

Breakthrough Genomics
Classification: Likely benign. Review status: criteria provided, single submitter. Criteria: ACMG Guidelines, 2015. Collection method: not provided. Allele origin: germline. Inheritance: Autosomal recessive inheritance. Affected: yes.